The following is an entry in ClinVar:

ClinVar aggregate classification (germline): Uncertain significance (1 of 4 stars; one submission).

Conditions:
CBL-related disorder. Also called: NOONAN SYNDROME-LIKE DISORDER WITHOUT JUVENILE MYELOMONOCYTIC LEUKEMIA; CBL MUTATION-ASSOCIATED SYNDROME; CBL SYNDROME. Identifiers: Orphanet 363972, MedGen C3150803, MONDO:0013308, OMIM 613563.

gnomAD v4.1: 2 of 1,613,102 alleles (0.00012%); highest among the groups gnomAD compares: Non-Finnish European, 0.00017%; no homozygotes.

Submission:

MVZ Medizinische Genetik Mainz
Classification: Uncertain significance for CBL-related disorder. Last evaluated: 2023-01-31. Review status: criteria provided, single submitter. Criteria: UK Practice Guidelines For Variant Classification V4 01 2020. Collection method: clinical testing. Allele origin: germline. Inheritance: Autosomal dominant inheritance. Affected: yes. Observed: 1 variant allele.
Comment: ACMG Criteria: PM1,PM2_SUP,PP3

NM_005188.4(CBL):c.1166A>G (p.Lys389Arg)

Gene: CBL (Cbl proto-oncogene; plus strand). Cytogenetic location: 11q23.3.
Variant type: single nucleotide variant.
Coding change: c.1166A>G on transcript NM_005188.4 (MANE Select); coding-DNA position 1166, A replaced by G.
Protein change: p.Lys389Arg; replaces lysine 389 with arginine.
Molecular consequence: missense variant.
Genome position (GRCh38, 1-based): chr11:119,278,236, A>G. VCF-style: chr11-119278236-A-G. GRCh37 (hg19) VCF-style: chr11-119148946-A-G.
Other names: short protein forms K389R.
Identifiers: ClinVar variation 3066325 (VCV003066325.1), dbSNP rs1949904868, ClinGen allele CA382912638.
Genomic context (GRCh38, chr11:119,278,236, plus strand): 5'-AATTATACTGTGAGATGGGCTCCACATTCCAACTATGTAAAATATGTGCTGAAAATGATA[A>G]GGATGTAAAGATTGAGCCCTGTGGACACCTCATGTGCACATCCTGTCTTACATCCTGGCA-3'
Protein context (NP_005179.2, residues 379-399): QLCKICAEND[Lys389Arg]DVKIEPCGHL